The following is an entry in ClinVar:

NM_002880.4(RAF1):c.321T>C (p.Gly107=)

Gene: RAF1 (Raf-1 proto-oncogene, serine/threonine kinase; minus strand). Cytogenetic location: 3p25.2.
Variant type: single nucleotide variant.
Coding change: c.321T>C on transcript NM_002880.4 (MANE Select); coding-DNA position 321, T replaced by C.
Protein change: p.Gly107=; no amino-acid change (glycine 107 retained).
Molecular consequence: synonymous variant. On other transcripts: non-coding transcript variant (3).
Genome position (GRCh38, 1-based): chr3:12,609,335, A>G on the plus strand (T>C on the coding strand, the complement: RAF1 is on the minus strand). VCF-style: chr3-12609335-A-G. GRCh37 (hg19) VCF-style: chr3-12650834-A-G.
Other names: c.321T>C, p.Gly107= (NM_001354689.3, NM_001354690.3, NM_001354693.3); c.78T>C, p.Cys26= (NM_001354691.3, NM_001354692.3, NM_001354694.3 and 1 more transcripts).
Identifiers: ClinVar variation 165010 (VCV000165010.17), dbSNP rs201937982, ClinGen allele CA177682.
Genomic context (GRCh38, chr3:12,609,335, plus strand): 5'-TTGAAGTTCTTCTCCAATCAAAGACGCAGCATCAGTATTCCAATCTAAGCGTGCTTTTTT[A>G]CTAGAAAGGATTTAAAAAAAACATGAAATGTTTAAACAAGATCAAAGTTCAATAGAAATA-3'
Protein context (NP_002871.1, residues 97-117): AVFRLLHEHK[Gly107=]KKARLDWNTD

ClinVar aggregate classification (germline): Conflicting classifications of pathogenicity. Review status: criteria provided, conflicting classifications (1 of 4 stars). 6 submissions from 6 submitters: Uncertain significance (2); Likely benign (4). Last evaluated 2026-09-21.

Conditions:
RAF1-related disorder. Also called: RAF1-related disorders; RAF1-related condition.
Cardiovascular phenotype. Identifiers: MedGen CN230736.
RASopathy. Also called: rasopathies; Noonan spectrum disorder. Identifiers: Orphanet 536391, MedGen C5555857, MONDO:0021060.

Allele frequency attached by ClinVar (database versions not stated): gnomAD exomes 0.00001; TOPMed 0.00004; ESP Exome Variant Server 0.00008.
gnomAD v4.1: 5 of 1,598,268 alleles (0.00031%); highest among the groups gnomAD compares: Admixed American, 0.0067%; no homozygotes.

Submissions (6):

PreventionGenetics, part of Exact Sciences
Classification: Likely benign for RAF1-related condition. Last evaluated: 2026-09-21. Review status: criteria provided, single submitter. Criteria: ACMG Guidelines, 2015. Collection method: clinical testing. Allele origin: germline.
Comment: This variant is classified as likely benign based on ACMG/AMP sequence variant interpretation guidelines (Richards et al. 2015 PMID: 25741868, with internal and published modifications).

Labcorp Genetics (formerly Invitae), Labcorp
Classification: Uncertain significance for RASopathy. Last evaluated: 2026-01-11. Review status: criteria provided, single submitter. Criteria: Invitae Variant Classification Sherloc (09022015). Collection method: clinical testing. Allele origin: germline.
Comment: This sequence change affects codon 107 of the RAF1 mRNA. It is a 'silent' change, meaning that it does not change the encoded amino acid sequence of the RAF1 protein. It affects a nucleotide within the consensus splice site. This variant is present in population databases (rs201937982, gnomAD 0.006%). This variant has not been reported in the literature in individuals affected with RAF1-related conditions. ClinVar contains an entry for this variant (Variation ID: 165010). Algorithms developed to predict the effect of sequence changes on RNA splicing suggest that this variant is not likely to affect RNA splicing. In summary, the available evidence is currently insufficient to determine the role of this variant in disease. Therefore, it has been classified as a Variant of Uncertain Significance.

Women's Health and Genetics/Laboratory Corporation of America, LabCorp
Classification: Likely benign. Last evaluated: 2021-09-08. Review status: criteria provided, single submitter. Criteria: LabCorp Variant Classification Summary - May 2015. Collection method: clinical testing. Allele origin: germline.
Comment: Variant summary: RAF1 c.321T>C (p.Gly107Gly) alters a conserved nucleotide located close to a canonical splice site and therefore could affect mRNA splicing, leading to a significantly altered protein sequence. 4/4 computational tools predict no significant impact on normal splicing. However, these predictions have yet to be confirmed by functional studies. The variant allele was found at a frequency of 8e-06 in 251270 control chromosomes (gnomAD). The available data on variant occurrences in the general population are insufficient to allow any conclusion about variant significance. To our knowledge, no occurrence of c.321T>C in individuals affected with Noonan Syndrome and no experimental evidence demonstrating its impact on protein function have been reported. A co-occurrence with a pathogenic variant has been reported (SOS1 c.1656G>C, p.Arg552Ser; Internal testing), providing supporting evidence for a benign role. A ClinVar submitter (evaluation after 2014) cites the variant as likely benign. Based on the evidence outlined above, the variant was classified as likely benign.

Ambry Genetics
Classification: Likely benign for Cardiovascular phenotype. Last evaluated: 2021-08-02. Review status: criteria provided, single submitter. Criteria: Ambry Variant Classification Scheme 2023. Collection method: clinical testing. Allele origin: germline.

GeneDx
Classification: Likely benign. Last evaluated: 2018-07-30. Review status: criteria provided, single submitter. Criteria: GeneDx Variant Classification Process June 2021. Collection method: clinical testing. Allele origin: germline. Affected: yes.

Laboratory for Molecular Medicine, Mass General Brigham Personalized Medicine
Classification: Uncertain significance. Last evaluated: 2010-09-02. Review status: criteria provided, single submitter. Criteria: LMM Criteria. Collection method: clinical testing. Allele origin: germline. Observed: 1 variant allele.
Comment: Variant classified as Uncertain Significance - Favor Benign. The Gly107Gly varia nt has not been previously reported in the literature or been identified in our laboratory. This variant does not result in an amino acid change, but it does al ter the first base of exon 4 which could have an effect on splicing. Splicing va riants have not been reported as part of the mutation spectrum for RAF1, which a re typically gain-of-function.